The following is an entry in ClinVar:

NM_004082.5(DCTN1):c.646-15G>A

Gene: DCTN1 (dynactin subunit 1; minus strand). Cytogenetic location: 2p13.1.
Variant type: single nucleotide variant.
Coding change: c.646-15G>A on transcript NM_004082.5 (MANE Select); 15 bases into the intron before coding-DNA position 646, G replaced by A.
Molecular consequence: intron variant.
Genome position (GRCh38, 1-based): chr2:74,371,191, C>T on the plus strand (G>A on the coding strand, the complement: DCTN1 is on the minus strand). VCF-style: chr2-74371191-C-T. GRCh37 (hg19) VCF-style: chr2-74598318-C-T.
Other names: c.535-15G>A (NM_001190836.2); c.577-15G>A (NM_001378992.1); c.595-15G>A (NM_001378991.1); c.586-15G>A (NM_001135040.3); c.625-15G>A (NM_001190837.2); c.244-15G>A (NM_001135041.3, NM_023019.4).
Identifiers: ClinVar variation 337094 (VCV000337094.9), dbSNP rs201438504, ClinGen allele CA1722344.

ClinVar aggregate classification (germline): Benign/Likely benign. Review status: criteria provided, multiple submitters, no conflicts (2 of 4 stars). 4 submissions from 3 submitters: Benign (2); Likely benign (2). Last evaluated 2025-07-09.

Conditions:
Perry syndrome. Also called: PARKINSONISM WITH ALVEOLAR HYPOVENTILATION AND MENTAL DEPRESSION. Identifiers: Orphanet 178509, MedGen C1868594, MONDO:0008201, OMIM 168605.
Neuronopathy, distal hereditary motor, type 7B. Also called: HMN VIIB; LOWER MOTOR NEURON DISEASE, DYNACTIN TYPE; Distal Hereditary Motor Neuronopathy Type 7B (dHMN7B); NEURONOPATHY, DISTAL HEREDITARY MOTOR, AUTOSOMAL DOMINANT 14; NEURONOPATHY, DISTAL HEREDITARY MOTOR, HARDING TYPE VIIB; NEUROPATHY, DISTAL HEREDITARY MOTOR, HARDING TYPE VIIB. Identifiers: Orphanet 139589, MedGen C1843315, MONDO:0011879, OMIM 607641.
Amyotrophic lateral sclerosis type 1 (ALS1). Also called: AMYOTROPHIC LATERAL SCLEROSIS 1, FAMILIAL. Identifiers: Orphanet 803, MedGen C1862939, MONDO:0007103, OMIM 105400.

Allele frequency attached by ClinVar (database versions not stated): gnomAD 0.00001; gnomAD exomes 0.00002 and 0.00007; ExAC 0.00006; ESP Exome Variant Server 0.00008; TOPMed 0.00012; 1000 Genomes Project 30x 0.00016; 1000 Genomes Project 0.00020.
gnomAD v4.1: 30 of 1,612,594 alleles (0.0019%); highest among the groups gnomAD compares: East Asian, 0.036%; no homozygotes.

Submissions (4):

Labcorp Genetics (formerly Invitae), Labcorp
Classification: Likely benign for Amyotrophic lateral sclerosis type 1; Neuronopathy, distal hereditary motor, type 7B; Perry syndrome. Last evaluated: 2025-07-09. Review status: criteria provided, single submitter. Criteria: Invitae Variant Classification Sherloc (09022015). Collection method: clinical testing. Allele origin: germline.

Blueprint Genetics
Classification: Likely benign. Last evaluated: 2021-06-29. Review status: criteria provided, single submitter. Criteria: ACMG Guidelines, 2015. Collection method: clinical testing. Allele origin: germline.

Illumina Laboratory Services, Illumina
Classification: Benign for Neuronopathy, distal hereditary motor, type 7B. Last evaluated: 2018-01-13. Review status: criteria provided, single submitter. Criteria: ICSL Variant Classification Criteria 13 December 2019. Collection method: clinical testing. Allele origin: germline.
Comment: This variant was observed in the ICSL laboratory as part of a predisposition screen in an ostensibly healthy population. It had not been previously curated by ICSL or reported in the Human Gene Mutation Database (HGMD: prior to June 1st, 2018), and was therefore a candidate for classification through an automated scoring system. Utilizing variant allele frequency, disease prevalence and penetrance estimates, and inheritance mode, an automated score was calculated to assess if this variant is too frequent to cause the disease. Based on the score and internal cut-off values, a variant classified as benign is not then subjected to further curation. The score for this variant resulted in a classification of benign for this disease.

Illumina Laboratory Services, Illumina
Classification: Benign for Perry syndrome. Last evaluated: 2018-01-13. Review status: criteria provided, single submitter. Criteria: ICSL Variant Classification Criteria 13 December 2019. Collection method: clinical testing. Allele origin: germline.
Comment: the same text as in the submission from Illumina Laboratory Services, Illumina above.